The following is an entry in ClinVar:

NM_006019.4(TCIRG1):c.1979GCC[2] (p.Arg662del)

Gene: TCIRG1 (T cell immune regulator 1, ATPase H+ transporting V0 subunit a3; plus strand). Cytogenetic location: 11q13.2.
Variant type: Microsatellite.
Coding change: c.1979GCC[2] on transcript NM_006019.4 (MANE Select); two copies in a row of the 3-base unit GCC starting at c.1979; the reference has three copies in a row; one copy, 3 bases deleted.
Protein change: p.Arg662del; deletes arginine 662.
Molecular consequence: inframe deletion.
Genome position (GRCh38, 1-based): chr11:68,049,760-68,049,762, GCC deleted; deleting any 3 consecutive bases within chr11:68,049,752-68,049,762 gives the same sequence; the position shown is the placement nearest the transcript's 3' end. VCF-style (leftmost placement, unchanged base first): chr11-68049751-ACCG-A. GRCh37 (hg19) VCF-style: chr11-67817218-ACCG-A.
Other names: c.1085GCC[2], p.Arg364del (NM_001351059.2); c.1979GCC[2], p.Arg662del (NM_001440552.1, NM_001440553.1, NM_001440554.1 and 2 more transcripts); c.1937GCC[2], p.Arg648del (NM_001440555.1, NM_001440556.1, NM_001440563.1); c.1766GCC[2], p.Arg591del (NM_001440559.1, NM_001440560.1, NM_001440561.1 and 2 more transcripts); c.1724GCC[2], p.Arg577del (NM_001440564.1); c.1679GCC[2], p.Arg562del (NM_001440565.1); c.1517GCC[2], p.Arg508del (NM_001440567.1); c.1511GCC[2], p.Arg506del (NM_001440568.1); and 2 more; short protein forms R364del, R508del, R562del, R662del, R342del, R577del, R648del, R446del.
Identifiers: ClinVar variation 5003827 (VCV005003827.1).

ClinVar aggregate classification (germline): Uncertain significance (1 of 4 stars; one submission).

Conditions:
Autosomal recessive osteopetrosis 1. Also called: TCIRG1-Related Osteopetrosis; ALBERS-SCHONBERG DISEASE, AUTOSOMAL RECESSIVE; TCIRG1-Related Autosomal Recessive Osteopetrosis. Identifiers: Orphanet 667, MedGen C1850127, MONDO:0009815, OMIM 259700.

Submission:

Myriad Genetics, Inc.
Classification: Uncertain significance for Autosomal recessive osteopetrosis 1. Last evaluated: 2026-01-08. Review status: criteria provided, single submitter. Criteria: Myriad Autosomal Dominant, Autosomal Recessive and X-Linked Classification Criteria (2023). Collection method: clinical testing. Allele origin: unknown.
Comment: NM_006019.3(TCIRG1):c.1985_1987delGCC(R662del) is an in-frame deletion classified as a variant of uncertain significance in the context of autosomal recessive osteopetrosis type 1. R662del has not been observed in cases with relevant disease. Relevant functional assessments of this variant are not available in the literature. R662del has been observed in referenced population frequency databases. In summary, there is insufficient evidence to classify NM_006019.3(TCIRG1):c.1985_1987delGCC(R662del) as pathogenic or benign. Please note: this variant was assessed in the context of healthy population screening.